The following is an entry in ClinVar:

ClinVar aggregate classification (germline): Uncertain significance (1 of 4 stars; one submission).

Allele frequency attached by ClinVar (database versions not stated): gnomAD exomes below 0.00001; TOPMed below 0.00001; gnomAD 0.00001.
gnomAD v4.1: 7 of 1,614,002 alleles (0.00043%); highest among the groups gnomAD compares: Non-Finnish European, 0.00059%; no homozygotes.

Submission:

Labcorp Genetics (formerly Invitae), Labcorp
Classification: Uncertain significance. Last evaluated: 2022-07-26. Review status: criteria provided, single submitter. Criteria: Invitae Variant Classification Sherloc (09022015). Collection method: clinical testing. Allele origin: germline.
Comment: In summary, the available evidence is currently insufficient to determine the role of this variant in disease. Therefore, it has been classified as a Variant of Uncertain Significance. Algorithms developed to predict the effect of missense changes on protein structure and function (SIFT, PolyPhen-2, Align-GVGD) all suggest that this variant is likely to be disruptive. This variant has not been reported in the literature in individuals affected with MFAP5-related conditions. This variant is present in population databases (no rsID available, gnomAD 0.007%). This sequence change replaces histidine, which is basic and polar, with tyrosine, which is neutral and polar, at codon 98 of the MFAP5 protein (p.His98Tyr).

NM_003480.4(MFAP5):c.292C>T (p.His98Tyr)

Gene: MFAP5 (microfibril associated protein 5; minus strand). Cytogenetic location: 12p13.31.
Variant type: single nucleotide variant.
Coding change: c.292C>T on transcript NM_003480.4 (MANE Select); coding-DNA position 292, C replaced by T.
Protein change: p.His98Tyr; replaces histidine 98 with tyrosine.
Molecular consequence: missense variant. On other transcripts: non-coding transcript variant (2), intron variant (1).
Genome position (GRCh38, 1-based): chr12:8,650,545, G>A on the plus strand (C>T on the coding strand, the complement: MFAP5 is on the minus strand). VCF-style: chr12-8650545-G-A. GRCh37 (hg19) VCF-style: chr12-8803141-G-A.
Other names: c.262C>T, p.His88Tyr (NM_001297709.2); c.226C>T, p.His76Tyr (NM_001297710.2); c.217C>T, p.His73Tyr (NM_001297711.2); c.218-2342C>T (NM_001297712.2); short protein forms H73Y, H88Y, H76Y, H98Y.
Identifiers: ClinVar variation 2120353 (VCV002120353.4), dbSNP rs1565522628, ClinGen allele CA384039082.
Genomic context (GRCh38, chr12:8,650,545, plus strand): 5'-ATTCTGGGATCCCTTACCTGGTGAAGCATAACTGATGAATGCATTGTTTAACCGGCCGAT[G>A]CACAGAGTAGAGCCTTGTGCAGGTAAATTTCTCATCCCAGCACTCTGAGGAAGCCCAATA-3'
Protein context (NP_003471.1, residues 88-108): KFTCTRLYSV[His98Tyr]RPVKQCIHQL